The following is an entry in ClinVar:

ClinVar aggregate classification (germline): Uncertain significance. Review status: criteria provided, multiple submitters, no conflicts (2 of 4 stars). 2 submissions from 2 submitters: Uncertain significance (2). Last evaluated 2026-06-14.

Conditions:
Hereditary cancer-predisposing syndrome. Also called: Neoplastic Syndromes, Hereditary; Tumor predisposition; Hereditary Cancer Syndrome; Hereditary neoplastic syndrome. Identifiers: Orphanet 140162, MedGen C0027672, MeSH D009386, MONDO:0015356.

gnomAD v4.1: 1 of 1,614,244 alleles (0.000062%); highest among the groups gnomAD compares: South Asian, 0.0011%; no homozygotes.

Submissions (2):

Ambry Genetics
Classification: Uncertain significance for Hereditary cancer-predisposing syndrome. Last evaluated: 2026-06-14. Review status: criteria provided, single submitter. Criteria: Ambry Variant Classification Scheme 2023. Collection method: clinical testing. Allele origin: germline.
Comment: The p.K533T variant (also known as c.1598A>C), located in coding exon 11 of the CTNNA1 gene, results from an A to C substitution at nucleotide position 1598. The lysine at codon 533 is replaced by threonine, an amino acid with similar properties. This amino acid position is conserved. In addition, this alteration is predicted to be tolerated by in silico analysis. Based on the available evidence, the clinical significance of this variant remains unclear.

Labcorp Genetics (formerly Invitae), Labcorp
Classification: Uncertain significance. Last evaluated: 2020-11-12. Review status: criteria provided, single submitter. Criteria: Invitae Variant Classification Sherloc (09022015). Collection method: clinical testing. Allele origin: germline.
Comment: This sequence change replaces lysine with threonine at codon 533 of the CTNNA1 protein (p.Lys533Thr). The lysine residue is highly conserved and there is a moderate physicochemical difference between lysine and threonine. This variant is not present in population databases (ExAC no frequency). Algorithms developed to predict the effect of missense changes on protein structure and function are either unavailable or do not agree on the potential impact of this missense change (SIFT: "Deleterious"; PolyPhen-2: "Benign"; Align-GVGD: "Class C0"). In summary, the available evidence is currently insufficient to determine the role of this variant in disease. Therefore, it has been classified as a Variant of Uncertain Significance. This variant has not been reported in the literature in individuals with CTNNA1-related conditions.

NM_001903.5(CTNNA1):c.1598A>C (p.Lys533Thr)

Gene: CTNNA1 (catenin alpha 1; plus strand). Cytogenetic location: 5q31.2.
Variant type: single nucleotide variant.
Coding change: c.1598A>C on transcript NM_001903.5 (MANE Select); coding-DNA position 1598, A replaced by C.
Protein change: p.Lys533Thr; replaces lysine 533 with threonine.
Molecular consequence: missense variant.
Genome position (GRCh38, 1-based): chr5:138,924,561, A>C. VCF-style: chr5-138924561-A-C. GRCh37 (hg19) VCF-style: chr5-138260250-A-C.
Other names: c.488A>C, p.Lys163Thr (NM_001323987.1, NM_001323988.1, NM_001323989.1 and 17 more transcripts); c.1598A>C (NM_001903.2); c.1598A>C, p.Lys533Thr (NM_001290307.3, NM_001323982.2, NM_001323983.1 and 2 more transcripts); c.1289A>C, p.Lys430Thr (NM_001290309.3); c.1229A>C, p.Lys410Thr (NM_001290310.3); c.1505A>C, p.Lys502Thr (NM_001323986.2); c.149A>C, p.Lys50Thr (NM_001324006.1, NM_001324007.1, NM_001324008.1 and 2 more transcripts); c.395A>C, p.Lys132Thr (NM_001324011.1); and 1 more; short protein forms K50T, K410T, K502T, K132T, K163T, K430T, K533T, K82T.
Identifiers: ClinVar variation 1388811 (VCV001388811.9), dbSNP rs2150288196, ClinGen allele CA361131794.